The following is an entry in ClinVar:

ClinVar aggregate classification (germline): Uncertain significance (1 of 4 stars; one submission).

gnomAD v4.1: 1 of 1,613,982 alleles (0.000062%); highest among the groups gnomAD compares: African/African-American, 0.0013%; no homozygotes.

Submission:

Mayo Clinic Laboratories, Mayo Clinic
Classification: Uncertain significance. Last evaluated: 2025-06-04. Review status: criteria provided, single submitter. Criteria: ACMG Guidelines, 2015. Collection method: clinical testing. Allele origin: germline. Observed: 1 variant allele.
Comment: PM2_supporting

NM_139027.6(ADAMTS13):c.1817C>T (p.Ala606Val)

Gene: ADAMTS13 (ADAM metallopeptidase with thrombospondin type 1 motif 13; plus strand). Cytogenetic location: 9q34.2.
Variant type: single nucleotide variant.
Coding change: c.1817C>T on transcript NM_139027.6 (MANE Select); coding-DNA position 1817, C replaced by T.
Protein change: p.Ala606Val; replaces alanine 606 with valine.
Molecular consequence: missense variant. On other transcripts: non-coding transcript variant (1).
Genome position (GRCh38, 1-based): chr9:133,440,374, C>T. VCF-style: chr9-133440374-C-T. GRCh37 (hg19) VCF-style: chr9-136305495-C-T.
Other names: p.Ala606Val; c.1817C>T, p.Ala606Val (NM_139025.5); c.1724C>T, p.Ala575Val (NM_139026.6); short protein forms A606V, A575V.
Identifiers: ClinVar variation 4541503 (VCV004541503.1).